The following is an entry in ClinVar:

ClinVar aggregate classification (germline): Uncertain significance. Review status: criteria provided, multiple submitters, no conflicts (2 of 4 stars). 2 submissions from 2 submitters: Uncertain significance (2). Last evaluated 2025-11-03.

Conditions:
Sucrase-isomaltase deficiency (CSID). Also called: Deficiency of isomaltase; SI DEFICIENCY; Congenital sucrose isomaltose malabsorption; Sucrose isomaltose enzyme deficiency. Identifiers: Orphanet 35122, MedGen C1283620, MONDO:0009114, OMIM 222900.

Allele frequency attached by ClinVar (database versions not stated): gnomAD 0.00005 and 0.00006; gnomAD exomes 0.00006 and 0.00015; ExAC 0.00008; TOPMed 0.00010; ESP Exome Variant Server 0.00015.
gnomAD v4.1: 226 of 1,611,084 alleles (0.014%); highest among the groups gnomAD compares: Non-Finnish European, 0.019%; no homozygotes.

Submissions (2):

Labcorp Genetics (formerly Invitae), Labcorp
Classification: Uncertain significance. Last evaluated: 2025-11-03. Review status: criteria provided, single submitter. Criteria: Invitae Variant Classification Sherloc (09022015). Collection method: clinical testing. Allele origin: germline.
Comment: This sequence change replaces glycine, which is neutral and non-polar, with serine, which is neutral and polar, at codon 794 of the SI protein (p.Gly794Ser). This variant is present in population databases (rs138778317, gnomAD 0.01%). This missense change has been observed in individual(s) with clinical features of congenital sucrase-isomaltase deficiency (PMID: 35753512). ClinVar contains an entry for this variant (Variation ID: 1428632). Invitae Evidence Modeling of protein sequence and biophysical properties (such as structural, functional, and spatial information, amino acid conservation, physicochemical variation, residue mobility, and thermodynamic stability) indicates that this missense variant is expected to disrupt SI protein function with a positive predictive value of 95%. In summary, the available evidence is currently insufficient to determine the role of this variant in disease. Therefore, it has been classified as a Variant of Uncertain Significance.

Fulgent Genetics
Classification: Uncertain significance for Sucrase-isomaltase deficiency. Last evaluated: 2022-05-08. Review status: criteria provided, single submitter. Criteria: ACMG Guidelines, 2015. Collection method: clinical testing. Allele origin: unknown.

Literature cited by the submitters: PubMed 35753512 (cited by Labcorp Genetics (formerly Invitae), Labcorp).

NM_001041.4(SI):c.2380G>A (p.Gly794Ser)

Gene: SI (sucrase-isomaltase; minus strand). Cytogenetic location: 3q26.1.
Variant type: single nucleotide variant.
Coding change: c.2380G>A on transcript NM_001041.4 (MANE Select); coding-DNA position 2380, G replaced by A.
Protein change: p.Gly794Ser; replaces glycine 794 with serine.
Molecular consequence: missense variant.
Genome position (GRCh38, 1-based): chr3:165,037,946, C>T on the plus strand (G>A on the coding strand, the complement: SI is on the minus strand). VCF-style: chr3-165037946-C-T. GRCh37 (hg19) VCF-style: chr3-164755734-C-T.
Other names: short protein forms G794S.
Identifiers: ClinVar variation 1428632 (VCV001428632.7), dbSNP rs138778317, ClinGen allele CA2690717.
Genomic context (GRCh38, chr3:165,037,946, plus strand): 5'-ATTTTTCATTTTACCTTGCTGTTGTTGTTACATCTGGTTCTTGAATGGGGATGATATAAC[C>T]TCCTCTAAGATGTAATCCTATTTTGTCTGCTGGAAGATACATATCAACCCGTTGTTTCCT-3'
Protein context (NP_001032.2, residues 784-804): ADKIGLHLRG[Gly794Ser]YIIPIQEPDV